The following is an entry in ClinVar:

NM_001377.3(DYNC2H1):c.3995T>G (p.Leu1332Arg)

Gene: DYNC2H1 (dynein cytoplasmic 2 heavy chain 1; plus strand). Cytogenetic location: 11q22.3.
Variant type: single nucleotide variant.
Coding change: c.3995T>G on transcript NM_001377.3 (MANE Select); coding-DNA position 3995, T replaced by G.
Protein change: p.Leu1332Arg; replaces leucine 1332 with arginine.
Molecular consequence: missense variant.
Genome position (GRCh38, 1-based): chr11:103,156,638, T>G. VCF-style: chr11-103156638-T-G. GRCh37 (hg19) VCF-style: chr11-103027367-T-G.
Other names: c.3995T>G, p.Leu1332Arg (NM_001080463.2); short protein forms L1332R.
Identifiers: ClinVar variation 188115 (VCV000188115.9), dbSNP rs786204078, ClinGen allele CA334079.

ClinVar aggregate classification (germline): Uncertain significance (1 of 4 stars; one submission).

Conditions:
Jeune thoracic dystrophy. Also called: Jeune syndrome; Infantile thoracic dystrophy; Thoracic pelvic phalangeal dystrophy; Jeune's syndrome; Chondroectodermal dysplasia-like syndrome; Short-rib thoracic dysplasia. Identifiers: Orphanet 474, MedGen C0265275, MONDO:0018770.

Allele frequency attached by ClinVar (database versions not stated): gnomAD exomes below 0.00001.
gnomAD v4.1: 2 of 1,613,570 alleles (0.00012%); highest among the groups gnomAD compares: Non-Finnish European, 0.00017%; no homozygotes.

Submission:

Labcorp Genetics (formerly Invitae), Labcorp
Classification: Uncertain significance for Jeune thoracic dystrophy. Last evaluated: 2018-08-23. Review status: criteria provided, single submitter. Criteria: Invitae Variant Classification Sherloc (09022015). Collection method: clinical testing. Allele origin: germline.
Comment: In summary, the available evidence is currently insufficient to determine the role of this variant in disease. Therefore, it has been classified as a Variant of Uncertain Significance. Algorithms developed to predict the effect of missense changes on protein structure and function (SIFT, PolyPhen-2, Align-GVGD) all suggest that this variant is likely to be disruptive, but these predictions have not been confirmed by published functional studies and their clinical significance is uncertain. This variant is not present in population databases (ExAC no frequency). This sequence change replaces leucine with arginine at codon 1332 of the DYNC2H1 protein (p.Leu1332Arg). The leucine residue is highly conserved and there is a moderate physicochemical difference between leucine and arginine. This variant has not been reported in the literature in individuals with DYNC2H1-related disease. ClinVar contains an entry for this variant (Variation ID: 188115).